The following is an entry in ClinVar:

ClinVar aggregate classification (germline): Conflicting classifications of pathogenicity. Review status: criteria provided, conflicting classifications (1 of 4 stars). 3 submissions from 3 submitters: Uncertain significance (2); Benign (1). Last evaluated 2026-01-19.

Conditions:
Fanconi anemia complementation group I (FANCI). Also called: FANCI-Related Fanconi Anemia. Identifiers: Orphanet 84, MedGen C1836861, MONDO:0012186, OMIM 609053.
Fanconi anemia (FA). Also called: Fanconi's anemia. Identifiers: Orphanet 84, MedGen C0015625, MeSH D005199, MONDO:0019391.

Allele frequency attached by ClinVar (database versions not stated): gnomAD exomes 0.00008 and 0.00020; gnomAD 0.00010 and 0.00011; TOPMed 0.00010; ExAC 0.00013; ESP Exome Variant Server 0.00015.
gnomAD v4.1: 151 of 1,613,970 alleles (0.0094%); highest among the groups gnomAD compares: Non-Finnish European, 0.0017%; 1 homozygote.

Submissions (3):

Labcorp Genetics (formerly Invitae), Labcorp
Classification: Benign for Fanconi anemia. Last evaluated: 2026-01-19. Review status: criteria provided, single submitter. Criteria: Invitae Variant Classification Sherloc (09022015). Collection method: clinical testing. Allele origin: germline.

Sema4
Classification: Uncertain significance for Fanconi anemia. Last evaluated: 2021-10-19. Review status: criteria provided, single submitter. Criteria: Sema4 Curation Guidelines. Collection method: curation. Allele origin: germline.
Comment: The FANCI c.1856T>A (p.L619Q) variant has not been reported in the literature to our knowledge. It was observed in 43/10078 chromosomes of the Ashkenazi Jewish subpopulation, including no homozygotes, in the large and broad cohorts of the Genome Aggregation Database (PMID: 32461654). The variant has been reported in ClinVar (Variation ID 317280). Functional studies have not been performed, and in silico predictions of the variant's effect on protein function are inconclusive. The evidence is insufficient to meet ACMG/AMP criteria for classifying the variant as benign or pathogenic. Thus, the clinical significance of this variant is currently uncertain.

Illumina Laboratory Services, Illumina
Classification: Uncertain significance for Fanconi anemia complementation group I. Last evaluated: 2018-01-13. Review status: criteria provided, single submitter. Criteria: ICSL Variant Classification Criteria 13 December 2019. Collection method: clinical testing. Allele origin: germline.

NM_001113378.2(FANCI):c.1856T>A (p.Leu619Gln)

Gene: FANCI (FA complementation group I; plus strand). Cytogenetic location: 15q26.1.
Variant type: single nucleotide variant.
Coding change: c.1856T>A on transcript NM_001113378.2 (MANE Select); coding-DNA position 1856, T replaced by A.
Protein change: p.Leu619Gln; replaces leucine 619 with glutamine.
Molecular consequence: missense variant.
Genome position (GRCh38, 1-based): chr15:89,290,247, T>A. VCF-style: chr15-89290247-T-A. GRCh37 (hg19) VCF-style: chr15-89833478-T-A.
Other names: c.1577T>A, p.Leu526Gln (NM_001376910.1); c.1856T>A, p.Leu619Gln (NM_001376911.1, NM_018193.3); short protein forms L619Q, L526Q.
Identifiers: ClinVar variation 317280 (VCV000317280.16), dbSNP rs151038616, ClinGen allele CA7723181.